The following is an entry in ClinVar:

NM_001039876.3(SYNE4):c.543G>A (p.Arg181=)

Gene: SYNE4 (spectrin repeat containing nuclear envelope family member 4; minus strand). Cytogenetic location: 19q13.12.
Variant type: single nucleotide variant.
Coding change: c.543G>A on transcript NM_001039876.3 (MANE Select); coding-DNA position 543, G replaced by A.
Protein change: p.Arg181=; no amino-acid change (arginine 181 retained).
Molecular consequence: synonymous variant. On other transcripts: intron variant (1).
Genome position (GRCh38, 1-based): chr19:36,006,825, C>T on the plus strand (G>A on the coding strand, the complement: SYNE4 is on the minus strand). VCF-style: chr19-36006825-C-T. GRCh37 (hg19) VCF-style: chr19-36497727-C-T.
Other names: c.280-154G>A (NM_001297735.3).
Identifiers: ClinVar variation 227087 (VCV000227087.17), dbSNP rs143940810, ClinGen allele CA9393908.

ClinVar aggregate classification (germline): Benign. Review status: criteria provided, multiple submitters, no conflicts (2 of 4 stars). 4 submissions from 4 submitters: Benign (4). Last evaluated 2026-02-04.

Allele frequency attached by ClinVar (database versions not stated): gnomAD exomes 0.00502 and 0.00580; ExAC 0.00725; 1000 Genomes Project 30x 0.00734; 1000 Genomes Project 0.00759; gnomAD 0.00954 and 0.01006; TOPMed 0.01034; ESP Exome Variant Server 0.01049.

Submissions (4):

Labcorp Genetics (formerly Invitae), Labcorp
Classification: Benign. Last evaluated: 2026-02-04. Review status: criteria provided, single submitter. Criteria: Invitae Variant Classification Sherloc (09022015). Collection method: clinical testing. Allele origin: germline.

GeneDx
Classification: Benign. Last evaluated: 2018-06-18. Review status: criteria provided, single submitter. Criteria: GeneDx Variant Classification Process June 2021. Collection method: clinical testing. Allele origin: germline. Affected: yes.

Laboratory for Molecular Medicine, Mass General Brigham Personalized Medicine
Classification: Benign. Last evaluated: 2014-11-24. Review status: criteria provided, single submitter. Criteria: LMM Criteria. Collection method: clinical testing. Allele origin: germline. Observed: 15 variant alleles.
Comment: Arg181Arg in exon 4 of SYNE4: This variant is not expected to have clinical sign ificance because it does not alter an amino acid residue and is not located with in the splice consensus sequence. It has been identified in 1.8% (72/4008) of Af rican American chromosomes from a broad population by the NHLBI Exome Sequencing Project (dbSNP rs143940810).

Breakthrough Genomics
Classification: Benign. Review status: criteria provided, single submitter. Criteria: ACMG Guidelines, 2015. Collection method: not provided. Allele origin: germline. Inheritance: Autosomal recessive inheritance. Affected: yes.